The following is an entry in ClinVar:

NM_005732.4(RAD50):c.3482A>G (p.Glu1161Gly)

Genes: TH2-LCR (Th2 cytokine locus control region; plus strand), RAD50 (RAD50 double strand break repair protein; plus strand), TH2LCRR (T helper type 2 locus control region associated RNA; minus strand). Cytogenetic location: 5q31.1.
Variant type: single nucleotide variant.
Coding change: c.3482A>G on transcript NM_005732.4 (MANE Select); coding-DNA position 3482, A replaced by G.
Protein change: p.Glu1161Gly; replaces glutamic acid 1161 with glycine.
Molecular consequence: missense variant. On other transcripts: non-coding transcript variant (2).
Genome position (GRCh38, 1-based): chr5:132,638,087, A>G. VCF-style: chr5-132638087-A-G. GRCh37 (hg19) VCF-style: chr5-131973779-A-G.
Other names: short protein forms E1161G.
Identifiers: ClinVar variation 947285 (VCV000947285.10), dbSNP rs1751628523, ClinGen allele CA360931044.
Genomic context (GRCh38, chr5:132,638,087, plus strand): 5'-GACAAAAGGCTACAGAGCATAGGTTCCTCTAAAATATTCTTCTTCCTGTGTCAGATATTG[A>G]ATACATAGAAATACGGTCTGATGCCGATGAAAATGTATCAGCTTCTGATAAAAGGCGGAA-3'
Protein context (NP_005723.2, residues 1151-1171): WRSTYRGQDI[Glu1161Gly]YIEIRSDADE

ClinVar aggregate classification (germline): Uncertain significance (1 of 4 stars; one submission).

Conditions:
Hereditary cancer-predisposing syndrome. Also called: Hereditary neoplastic syndrome; Neoplastic Syndromes, Hereditary; Tumor predisposition; Hereditary Cancer Syndrome. Identifiers: Orphanet 140162, MedGen C0027672, MeSH D009386, MONDO:0015356.

Submission:

Labcorp Genetics (formerly Invitae), Labcorp
Classification: Uncertain significance for Hereditary cancer-predisposing syndrome. Last evaluated: 2019-05-15. Review status: criteria provided, single submitter. Criteria: Invitae Variant Classification Sherloc (09022015). Collection method: clinical testing. Allele origin: germline.
Comment: Algorithms developed to predict the effect of missense changes on protein structure and function are either unavailable or do not agree on the potential impact of this missense change (SIFT: "Tolerated"; PolyPhen-2: "Possibly Damaging"; Align-GVGD: "Class C0"). This variant has not been reported in the literature in individuals with RAD50-related conditions. In summary, the available evidence is currently insufficient to determine the role of this variant in disease. Therefore, it has been classified as a Variant of Uncertain Significance. This variant is not present in population databases (ExAC no frequency). This sequence change replaces glutamic acid with glycine at codon 1161 of the RAD50 protein (p.Glu1161Gly). The glutamic acid residue is moderately conserved and there is a moderate physicochemical difference between glutamic acid and glycine.